The following is an entry in ClinVar:

ClinVar aggregate classification (germline): Uncertain significance (1 of 4 stars; one submission).

Conditions:
Primary ciliary dyskinesia 33. Also called: CILIARY DYSKINESIA, PRIMARY, 33, WITHOUT SITUS INVERSUS. Identifiers: Orphanet 244, MedGen C4225230, MONDO:0014750, OMIM 616726.

Allele frequency attached by ClinVar (database versions not stated): gnomAD exomes below 0.00001; TOPMed below 0.00001.
gnomAD v4.1: 1 of 1,614,168 alleles (0.000062%); highest among the groups gnomAD compares: Non-Finnish European, 0.000085%; no homozygotes.

Submission:

Labcorp Genetics (formerly Invitae), Labcorp
Classification: Uncertain significance for Primary ciliary dyskinesia 33. Last evaluated: 2022-06-26. Review status: criteria provided, single submitter. Criteria: Invitae Variant Classification Sherloc (09022015). Collection method: clinical testing. Allele origin: germline.
Comment: In summary, the available evidence is currently insufficient to determine the role of this variant in disease. Therefore, it has been classified as a Variant of Uncertain Significance. Algorithms developed to predict the effect of sequence changes on RNA splicing suggest that this variant may disrupt the consensus splice site. This variant has not been reported in the literature in individuals affected with GAS8-related conditions. This variant is not present in population databases (gnomAD no frequency). This sequence change affects codon 183 of the GAS8 mRNA. It is a 'silent' change, meaning that it does not change the encoded amino acid sequence of the GAS8 protein. It affects a nucleotide within the consensus splice site.

NM_001481.3(DRC4):c.549A>T (p.Arg183=)

Gene: DRC4 (dynein regulatory complex subunit 4; plus strand). Cytogenetic location: 16q24.3.
Variant type: single nucleotide variant.
Coding change: c.549A>T on transcript NM_001481.3 (MANE Select); coding-DNA position 549, A replaced by T.
Protein change: p.Arg183=; no amino-acid change (arginine 183 retained).
Molecular consequence: synonymous variant. On other transcripts: intron variant (1).
Genome position (GRCh38, 1-based): chr16:90,035,686, A>T. VCF-style: chr16-90035686-A-T. GRCh37 (hg19) VCF-style: chr16-90102094-A-T.
Other names: c.300A>T, p.Arg100= (NM_001286205.2); c.474A>T, p.Arg158= (NM_001286209.2); c.-26-695A>T (NM_001286208.2).
Identifiers: ClinVar variation 1911077 (VCV001911077.5), dbSNP rs2036831256, ClinGen allele CA497195301.
Genomic context (GRCh38, chr16:90,035,686, plus strand): 5'-TGTGCAGAAACACACCGAGGAGATCACCAGGATGCGGAATGATTTTGAGAGGCAAGTTCG[A>T]GGTCAGTTTCCCGTGTGCTCATTGTGTAGGTGCCAGAGACACCCCCGCCCCATCAGAGAG-3'
Protein context (NP_001472.1, residues 173-193): RMRNDFERQV[Arg183=]EIEAKYDKKM